The following is an entry in ClinVar:

ClinVar aggregate classification (germline): Likely pathogenic (1 of 4 stars; one submission).

Submission:

Labcorp Genetics (formerly Invitae), Labcorp
Classification: Likely pathogenic. Last evaluated: 2024-07-30. Review status: criteria provided, single submitter. Criteria: Invitae Variant Classification Sherloc (09022015). Collection method: clinical testing. Allele origin: germline.
Comment: This sequence change affects an acceptor splice site in intron 9 of the TET2 gene. It is expected to disrupt RNA splicing. Variants that disrupt the donor or acceptor splice site typically lead to a loss of protein function (PMID: 16199547), and loss-of-function variants in TET2 are known to be pathogenic (PMID: 36066697). This variant is not present in population databases (gnomAD no frequency). This variant has not been reported in the literature in individuals affected with TET2-related conditions. Algorithms developed to predict the effect of sequence changes on RNA splicing suggest that this variant may disrupt the consensus splice site. In summary, the currently available evidence indicates that the variant is pathogenic, but additional data are needed to prove that conclusively. Therefore, this variant has been classified as Likely Pathogenic.

Literature cited by the submitters: PubMed 16199547; PubMed 36066697.

NM_001127208.3(TET2):c.4183-1G>C

Genes: TET2 (tet methylcytosine dioxygenase 2; plus strand), TET2-AS1 (TET2 antisense RNA 1; minus strand). Cytogenetic location: 4q24.
Variant type: single nucleotide variant.
Coding change: c.4183-1G>C on transcript NM_001127208.3 (MANE Select); the canonical splice acceptor site of the intron before coding-DNA position 4183, G replaced by C.
Molecular consequence: splice acceptor variant.
Genome position (GRCh38, 1-based): chr4:105,272,563, G>C. VCF-style: chr4-105272563-G-C. GRCh37 (hg19) VCF-style: chr4-106193720-G-C.
Identifiers: ClinVar variation 3660845 (VCV003660845.2).